The following is an entry in ClinVar:

NM_000282.4(PCCA):c.183+2T>C

Gene: PCCA (propionyl-CoA carboxylase subunit alpha; plus strand). Cytogenetic location: 13q32.3.
Variant type: single nucleotide variant.
Coding change: c.183+2T>C on transcript NM_000282.4 (MANE Select); the canonical splice donor site of the intron after coding-DNA position 183, T replaced by C.
Molecular consequence: splice donor variant. On other transcripts: intron variant (3).
Genome position (GRCh38, 1-based): chr13:100,102,962, T>C. VCF-style: chr13-100102962-T-C. GRCh37 (hg19) VCF-style: chr13-100755216-T-C.
Other names: c.183+2T>C (NM_001178004.2, NM_001352605.2, NM_001352606.2 and 1 more transcripts); c.-684+2T>C (NM_001352610.2, NM_001352611.2, NM_001352612.2); c.106-8879T>C (NM_001127692.3, NM_001352607.2, NM_001352608.2).
Identifiers: ClinVar variation 552127 (VCV000552127.9), dbSNP rs1555342593, ClinGen allele CA388692966.
Genomic context (GRCh38, chr13:100,102,962, plus strand): 5'-GACAGTGCTTAATGGTGTCCCGTAATCTTGGTTCAGTGGGATATGATCCTAATGAAAAAG[T>C]AAGTATTTAAAAGATATTCTCAACAACTAAATTAAACTTATCATGGTTTTACTTTCTCGT-3'

ClinVar aggregate classification (germline): Pathogenic/Likely pathogenic. Review status: criteria provided, multiple submitters, no conflicts (2 of 4 stars). 4 submissions from 4 submitters: Pathogenic (1); Likely pathogenic (2). 1 of the submissions does not count toward it. Last evaluated 2026-01-21.

Conditions:
Propionic acidemia (PROP). Also called: GLYCINEMIA, KETOTIC; HYPERGLYCINEMIA WITH KETOACIDOSIS AND LEUKOPENIA; KETOTIC HYPERGLYCINEMIA. Identifiers: Orphanet 35, MedGen C0268579, MONDO:0011628, OMIM 606054, HP:0003571.

Submissions (4):

Natera, Inc.
Classification: Likely pathogenic for Propionic acidemia. Last evaluated: 2026-01-21. Review status: criteria provided, single submitter. Criteria: Natera Variant Classification Schema (03/2026). Collection method: clinical testing. Allele origin: germline.
Comment: The c.183+2T>C variant in PCCA is a canonical splice donor site variant predicted to affect pre-mRNA splicing, which may result in an abnormal transcript and altered protein product. This variant may result in a truncated or dysfunctional protein product. This variant is rare in the general population with a frequency below the threshold expected for the associated phenotype(s). Another variant at this same site results in an alteration predicted to cause a similar molecular effect has been observed in individual(s) with the associated phenotype. Given the available evidence, this variant is classified as Likely Pathogenic.

Revvity Omics, Revvity
Classification: Pathogenic for Propionic acidemia. Last evaluated: 2025-01-09. Review status: criteria provided, single submitter. Criteria: ACMG Guidelines, 2015. Collection method: clinical testing. Allele origin: germline.

Labcorp Genetics (formerly Invitae), Labcorp
Classification: Likely pathogenic for Propionic acidemia. Last evaluated: 2023-10-28. Review status: criteria provided, single submitter. Criteria: Invitae Variant Classification Sherloc (09022015). Collection method: clinical testing. Allele origin: germline.
Comment: This sequence change affects a donor splice site in intron 2 of the PCCA gene. It is expected to disrupt RNA splicing. Variants that disrupt the donor or acceptor splice site typically lead to a loss of protein function (PMID: 16199547), and loss-of-function variants in PCCA are known to be pathogenic (PMID: 15464417). This variant is not present in population databases (gnomAD no frequency). This variant has not been reported in the literature in individuals affected with PCCA-related conditions. ClinVar contains an entry for this variant (Variation ID: 552127). Algorithms developed to predict the effect of sequence changes on RNA splicing suggest that this variant may disrupt the consensus splice site. In summary, the currently available evidence indicates that the variant is pathogenic, but additional data are needed to prove that conclusively. Therefore, this variant has been classified as Likely Pathogenic.

Counsyl
Classification: Likely pathogenic for Propionic acidemia. Last evaluated: 2017-05-23. Review status: no assertion criteria provided. Collection method: clinical testing. Allele origin: unknown. Not counted in ClinVar's aggregate classification.

Literature cited by the submitters: PubMed 16199547 (cited by Labcorp Genetics (formerly Invitae), Labcorp); PubMed 15464417 (cited by Labcorp Genetics (formerly Invitae), Labcorp).